The following is an entry in ClinVar:

ClinVar aggregate classification (germline): Uncertain significance. Review status: criteria provided, multiple submitters, no conflicts (2 of 4 stars). 4 submissions from 4 submitters: Uncertain significance (4). Last evaluated 2026-07-29.

Conditions:
Familial thoracic aortic aneurysm and aortic dissection (TAAD). Also called: Thoracic aortic aneurysms and dissections. Identifiers: Orphanet 91387, MedGen C4707243, MONDO:0019625.

Allele frequency attached by ClinVar (database versions not stated): gnomAD exomes below 0.00001; TOPMed below 0.00001.
gnomAD v4.1: 2 of 1,613,744 alleles (0.00012%); highest among the groups gnomAD compares: Non-Finnish European, 0.00017%; no homozygotes.

Submissions (4):

Ambry Genetics
Classification: Uncertain significance for Familial thoracic aortic aneurysm and aortic dissection. Last evaluated: 2026-07-29. Review status: criteria provided, single submitter. Criteria: Ambry Variant Classification Scheme 2023. Collection method: clinical testing. Allele origin: germline.
Comment: The p.K2231Q variant (also known as c.6691A>C), located in coding exon 54 of the FBN1 gene, results from an A to C substitution at nucleotide position 6691. The lysine at codon 2231 is replaced by glutamine, an amino acid with similar properties. This amino acid position is well conserved in available vertebrate species. In addition, the in silico prediction for this alteration is inconclusive. Based on the available evidence, the clinical significance of this variant remains unclear.

Color Diagnostics, LLC DBA Color Health
Classification: Uncertain significance for Familial thoracic aortic aneurysm and aortic dissection. Last evaluated: 2024-03-07. Review status: criteria provided, single submitter. Criteria: ACMG Guidelines, 2015. Collection method: clinical testing. Allele origin: germline.
Comment: This missense variant replaces lysine with glutamine at codon 2231 of the FBN1 protein. Computational prediction is inconclusive regarding the impact of this variant on protein structure and function (internally defined REVEL score threshold 0.5 < inconclusive < 0.7, PMID: 27666373). To our knowledge, functional studies have not been reported for this variant. This variant has not been reported in individuals affected with cardiovascular disorders in the literature. This variant has been identified in 1/251016 chromosomes in the general population by the Genome Aggregation Database (gnomAD). The available evidence is insufficient to determine the role of this variant in disease conclusively. Therefore, this variant is classified as a Variant of Uncertain Significance.

GeneDx
Classification: Uncertain significance. Last evaluated: 2022-10-10. Review status: criteria provided, single submitter. Criteria: GeneDx Variant Classification Process June 2021. Collection method: clinical testing. Allele origin: germline. Affected: yes.
Comment: Has not been previously published as pathogenic or benign to our knowledge; Not observed at significant frequency in large population cohorts (gnomAD); Although located in a calcium-binding EGF-like domain of the FBN1 gene, it does not affect a cysteine residue within this domain; cysteine substitutions in the calcium-binding EGF-like domains represent the majority of pathogenic missense changes associated with FBN1-related disorders (Collod-Beroud et al., 2003); In silico analysis supports that this missense variant does not alter protein structure/function; This variant is associated with the following publications: (PMID: 12938084)

Blueprint Genetics
Classification: Uncertain significance. Last evaluated: 2022-05-12. Review status: criteria provided, single submitter. Criteria: ACMG Guidelines, 2015. Collection method: clinical testing. Allele origin: germline.

NM_000138.5(FBN1):c.6691A>C (p.Lys2231Gln)

Gene: FBN1 (fibrillin 1; minus strand). Cytogenetic location: 15q21.1.
Variant type: single nucleotide variant.
Coding change: c.6691A>C on transcript NM_000138.5 (MANE Select); coding-DNA position 6691, A replaced by C.
Protein change: p.Lys2231Gln; replaces lysine 2231 with glutamine.
Molecular consequence: missense variant.
Genome position (GRCh38, 1-based): chr15:48,432,914, T>G on the plus strand (A>C on the coding strand, the complement: FBN1 is on the minus strand). VCF-style: chr15-48432914-T-G. GRCh37 (hg19) VCF-style: chr15-48725111-T-G.
Other names: short protein forms K2231Q.
Identifiers: ClinVar variation 1171404 (VCV001171404.7), dbSNP rs1207479679, ClinGen allele CA392333412.